The following is an entry in ClinVar:

NM_015295.3(SMCHD1):c.4282-2A>G

Gene: SMCHD1 (structural maintenance of chromosomes flexible hinge domain containing 1; plus strand). Cytogenetic location: 18p11.32.
Variant type: single nucleotide variant.
Coding change: c.4282-2A>G on transcript NM_015295.3 (MANE Select); the canonical splice acceptor site of the intron before coding-DNA position 4282, A replaced by G.
Molecular consequence: splice acceptor variant.
Genome position (GRCh38, 1-based): chr18:2,752,486, A>G. VCF-style: chr18-2752486-A-G. GRCh37 (hg19) VCF-style: chr18-2752484-A-G.
Identifiers: ClinVar variation 3660397 (VCV003660397.2).

ClinVar aggregate classification (germline): Likely pathogenic (1 of 4 stars; one submission).

Conditions:
Facioscapulohumeral muscular dystrophy 2 (FSHD2). Also called: MUSCULAR DYSTROPHY, FACIOSCAPULOHUMERAL, TYPE 1B; FACIOSCAPULOHUMERAL MUSCULAR DYSTROPHY 2, DIGENIC; FSHD2, DIGENIC. Identifiers: Orphanet 269, MedGen C1834671, MONDO:0008031, OMIM 158901.

Submission:

Labcorp Genetics (formerly Invitae), Labcorp
Classification: Likely pathogenic for Facioscapulohumeral muscular dystrophy 2. Last evaluated: 2025-01-23. Review status: criteria provided, single submitter. Criteria: Invitae Variant Classification Sherloc (09022015). Collection method: clinical testing. Allele origin: germline.
Comment: This sequence change affects an acceptor splice site in intron 33 of the SMCHD1 gene. It is expected to disrupt RNA splicing. Variants that disrupt the donor or acceptor splice site typically lead to a loss of protein function (PMID: 16199547), and loss-of-function variants in SMCHD1 are known to be pathogenic (PMID: 23143600). This variant is not present in population databases (gnomAD no frequency). This variant has not been reported in the literature in individuals affected with SMCHD1-related conditions. Algorithms developed to predict the effect of sequence changes on RNA splicing suggest that this variant may disrupt the consensus splice site. In summary, the currently available evidence indicates that the variant is pathogenic, but additional data are needed to prove that conclusively. Therefore, this variant has been classified as Likely Pathogenic.

Literature cited by the submitters: PubMed 16199547; PubMed 23143600.